The following is an entry in ClinVar:

NM_000294.3(PHKG2):c.360A>G (p.Thr120=)

Gene: PHKG2 (phosphorylase kinase catalytic subunit gamma 2; plus strand). Cytogenetic location: 16p11.2.
Variant type: single nucleotide variant.
Coding change: c.360A>G on transcript NM_000294.3 (MANE Select); coding-DNA position 360, A replaced by G.
Protein change: p.Thr120=; no amino-acid change (threonine 120 retained).
Molecular consequence: synonymous variant.
Genome position (GRCh38, 1-based): chr16:30,753,265, A>G. VCF-style: chr16-30753265-A-G. GRCh37 (hg19) VCF-style: chr16-30764586-A-G.
Other names: c.360A>G, p.Thr120= (NM_001172432.2).
Identifiers: ClinVar variation 388646 (VCV000388646.45), dbSNP rs149163610, ClinGen allele CA8013143.

ClinVar aggregate classification (germline): Conflicting classifications of pathogenicity. Review status: criteria provided, conflicting classifications (1 of 4 stars). 5 submissions from 5 submitters: Uncertain significance (1); Likely benign (4). Last evaluated 2026-01-24.

Conditions:
Glycogen storage disease IXc (GSD9C). Also called: GSD IXc. Identifiers: Orphanet 264580, MedGen C2751643, MONDO:0013091, OMIM 613027.

Allele frequency attached by ClinVar (database versions not stated): ESP Exome Variant Server 0.00008; 1000 Genomes Project 30x 0.00016; TOPMed 0.00022; gnomAD 0.00024; gnomAD exomes 0.00031 and 0.00041; ExAC 0.00038.
gnomAD v4.1: 632 of 1,614,152 alleles (0.039%); highest among the groups gnomAD compares: Non-Finnish European, 0.049%; no homozygotes.

Submissions (5):

Labcorp Genetics (formerly Invitae), Labcorp
Classification: Likely benign for Glycogen storage disease IXc. Last evaluated: 2026-01-24. Review status: criteria provided, single submitter. Criteria: Invitae Variant Classification Sherloc (09022015). Collection method: clinical testing. Allele origin: germline.

Blueprint Genetics
Classification: Likely benign. Last evaluated: 2024-11-27. Review status: criteria provided, single submitter. Criteria: ACMG Guidelines, 2015. Collection method: clinical testing. Allele origin: germline.

CeGaT Center for Human Genetics Tuebingen
Classification: Likely benign. Last evaluated: 2022-09-01. Review status: criteria provided, single submitter. Criteria: CeGaT Center For Human Genetics Tuebingen Variant Classification Criteria Version 2. Collection method: clinical testing. Allele origin: germline. Affected: yes. Observed: 1 variant allele.
Comment: PHKG2: BP4, BP7

GeneDx
Classification: Likely benign. Last evaluated: 2018-02-07. Review status: criteria provided, single submitter. Criteria: GeneDx Variant Classification (06012015). Collection method: clinical testing. Allele origin: germline. Affected: yes.
Comment: This variant is considered likely benign or benign based on one or more of the following criteria: it is a conservative change, it occurs at a poorly conserved position in the protein, it is predicted to be benign by multiple in silico algorithms, and/or has population frequency not consistent with disease.

Illumina Laboratory Services, Illumina
Classification: Uncertain significance for Glycogen storage disease IXc. Last evaluated: 2018-01-13. Review status: criteria provided, single submitter. Criteria: ICSL Variant Classification Criteria 13 December 2019. Collection method: clinical testing. Allele origin: germline.